The following is an entry in ClinVar:

NM_004473.4(FOXE1):c.567C>G (p.Arg189=)

Gene: FOXE1 (forkhead box E1; plus strand). Cytogenetic location: 9q22.33.
Variant type: single nucleotide variant.
Coding change: c.567C>G on transcript NM_004473.4 (MANE Select); coding-DNA position 567, C replaced by G.
Protein change: p.Arg189=; no amino-acid change (arginine 189 retained).
Molecular consequence: synonymous variant.
Genome position (GRCh38, 1-based): chr9:97,854,481, C>G. VCF-style: chr9-97854481-C-G. GRCh37 (hg19) VCF-style: chr9-100616763-C-G.
Identifiers: ClinVar variation 4533667 (VCV004533667.7).

ClinVar aggregate classification (germline): Likely benign. Review status: criteria provided, multiple submitters, no conflicts (2 of 4 stars). 2 submissions from 2 submitters: Likely benign (2). Last evaluated 2025-10-01.

Submissions (2):

CeGaT Center for Human Genetics Tuebingen
Classification: Likely benign. Last evaluated: 2025-10-01. Review status: criteria provided, single submitter. Criteria: CeGaT Center For Human Genetics Tuebingen Variant Classification Criteria Version 2. Collection method: clinical testing. Allele origin: germline. Affected: yes. Observed: 1 variant allele.
Comment: FOXE1: BP4, BP7

Blueprint Genetics
Classification: Likely benign. Last evaluated: 2024-03-09. Review status: criteria provided, single submitter. Criteria: ACMG Guidelines, 2015. Collection method: clinical testing. Allele origin: germline.